The following is an entry in ClinVar:

ClinVar aggregate classification (germline): Uncertain significance (1 of 4 stars; one submission).

Submission:

Greenwood Genetic Center Diagnostic Laboratories, Greenwood Genetic Center
Classification: Uncertain significance. Last evaluated: 2021-06-09. Review status: criteria provided, single submitter. Criteria: ACMG Guidelines, 2015. Collection method: clinical testing. Allele origin: germline. Affected: yes.
Comment: PM2

NM_001273.5(CHD4):c.100+4A>G

Gene: CHD4 (chromodomain helicase DNA binding protein 4; minus strand). Cytogenetic location: 12p13.31.
Variant type: single nucleotide variant.
Coding change: c.100+4A>G on transcript NM_001273.5 (MANE Select); 4 bases into the intron after coding-DNA position 100, A replaced by G.
Molecular consequence: intron variant.
Genome position (GRCh38, 1-based): chr12:6,606,270, T>C on the plus strand (A>G on the coding strand, the complement: CHD4 is on the minus strand). VCF-style: chr12-6606270-T-C. GRCh37 (hg19) VCF-style: chr12-6715436-T-C.
Other names: c.100+4A>G (NM_001363606.2, NM_001297553.2).
Identifiers: ClinVar variation 1334611 (VCV001334611.4), dbSNP rs1948695831, ClinGen allele CA2014157439.